The following is an entry in ClinVar:

ClinVar aggregate classification (germline): Likely benign. Review status: criteria provided, multiple submitters, no conflicts (2 of 4 stars). 4 submissions from 4 submitters: Likely benign (4). Last evaluated 2026-05-01.

Allele frequency attached by ClinVar (database versions not stated): TOPMed 0.00003; gnomAD 0.00004; gnomAD exomes 0.00004 and 0.00006; ExAC 0.00005.
gnomAD v4.1: 87 of 1,614,054 alleles (0.0054%); highest among the groups gnomAD compares: Middle Eastern, 0.049%; no homozygotes.

Submissions (4):

CeGaT Center for Human Genetics Tuebingen
Classification: Likely benign. Last evaluated: 2026-05-01. Review status: criteria provided, single submitter. Criteria: CeGaT Center For Human Genetics Tuebingen Variant Classification Criteria Version 2. Collection method: clinical testing. Allele origin: germline. Affected: yes. Observed: 2 variant alleles.
Comment: SRCAP: BP4, BP7

Blueprint Genetics
Classification: Likely benign. Last evaluated: 2024-10-11. Review status: criteria provided, single submitter. Criteria: ACMG Guidelines, 2015. Collection method: clinical testing. Allele origin: germline.

Women's Health and Genetics/Laboratory Corporation of America, LabCorp
Classification: Likely benign. Last evaluated: 2024-09-11. Review status: criteria provided, single submitter. Criteria: LabCorp Variant Classification Summary - May 2015. Collection method: clinical testing. Allele origin: germline.

Labcorp Genetics (formerly Invitae), Labcorp
Classification: Likely benign. Last evaluated: 2024-05-24. Review status: criteria provided, single submitter. Criteria: Invitae Variant Classification Sherloc (09022015). Collection method: clinical testing. Allele origin: germline.

NM_006662.3(SRCAP):c.2322A>G (p.Thr774=)

Gene: SRCAP (Snf2 related CREBBP activator protein; plus strand). Cytogenetic location: 16p11.2.
Variant type: single nucleotide variant.
Coding change: c.2322A>G on transcript NM_006662.3 (MANE Select); coding-DNA position 2322, A replaced by G.
Protein change: p.Thr774=; no amino-acid change (threonine 774 retained).
Molecular consequence: synonymous variant.
Genome position (GRCh38, 1-based): chr16:30,713,540, A>G. VCF-style: chr16-30713540-A-G. GRCh37 (hg19) VCF-style: chr16-30724861-A-G.
Identifiers: ClinVar variation 734722 (VCV000734722.15), dbSNP rs770012397, ClinGen allele CA8011196.